The following is an entry in ClinVar:

NM_001166108.2(PALLD):c.1965-12921G>C

Gene: PALLD (palladin, cytoskeletal associated protein; plus strand). Cytogenetic location: 4q32.3.
Variant type: single nucleotide variant.
Coding change: c.1965-12921G>C on transcript NM_001166108.2 (MANE Select); 12921 bases into the intron before coding-DNA position 1965, G replaced by C.
Molecular consequence: intron variant. On other transcripts: missense variant (1).
Genome position (GRCh38, 1-based): chr4:168,878,001, G>C. VCF-style: chr4-168878001-G-C. GRCh37 (hg19) VCF-style: chr4-169799152-G-C.
Other names: c.110G>C, p.Gly37Ala (NM_001166110.2); c.1965-12921G>C (NM_016081.4); c.819-12921G>C (NM_001166109.2); c.-157-12921G>C (NM_001367570.1, NM_001367568.1, NM_001367567.1 and 1 more transcripts); short protein forms G37A.
Identifiers: ClinVar variation 5026228 (VCV005026228.1).

ClinVar aggregate classification (germline): Uncertain significance (1 of 4 stars; one submission).

Submission:

Ambry Genetics
Classification: Uncertain significance. Last evaluated: 2026-07-21. Review status: criteria provided, single submitter. Criteria: Ambry Variant Classification Scheme 2023. Collection method: clinical testing. Allele origin: germline.
Comment: The p.G37A variant (also known as c.110G>C), located in coding exon 1 of the PALLD gene, results from a G to C substitution at nucleotide position 110. The glycine at codon 37 is replaced by alanine, an amino acid with similar properties. This amino acid position is conserved. In addition, this alteration is predicted to be tolerated by in silico analysis. Based on the available evidence, the clinical significance of this variant remains unclear.